The following is an entry in ClinVar:

NM_000051.4(ATM):c.2T>C (p.Met1Thr)

Gene: ATM (ATM serine/threonine kinase; plus strand). Cytogenetic location: 11q22.3.
Variant type: single nucleotide variant.
Coding change: c.2T>C on transcript NM_000051.4 (MANE Select); coding-DNA position 2, T replaced by C.
Protein change: p.Met1Thr; changes the start codon (methionine 1).
Molecular consequence: missense variant, initiator codon variant.
Genome position (GRCh38, 1-based): chr11:108,227,626, T>C. VCF-style: chr11-108227626-T-C. GRCh37 (hg19) VCF-style: chr11-108098353-T-C.
Other names: NM_000051.3(ATM):c.2T>C; p.Met1Thr; NM_000051.4(ATM):c.2T>C; c.2T>C, p.Met1Thr (NM_001351834.2, NM_001351835.2, NM_001351836.2); short protein forms M1T.
Identifiers: ClinVar variation 187275 (VCV000187275.37), dbSNP rs786203606, ClinGen allele CA197209.

ClinVar aggregate classification (germline): Pathogenic. Review status: reviewed by expert panel (3 of 4 stars). 14 submissions from 14 submitters: Pathogenic (1). 13 of the submissions do not count toward it. Last evaluated 2022-03-16.

Conditions:
ATM-related cancer predisposition. Also called: ATM-related cancer susceptibility. Identifiers: MedGen CN377759, MONDO:0700270.
ATM-related disorder. Also called: ATM-related disorders; ATM-related condition.
Hereditary cancer-predisposing syndrome. Also called: Neoplastic Syndromes, Hereditary; Tumor predisposition; Hereditary neoplastic syndrome; Hereditary Cancer Syndrome. Identifiers: Orphanet 140162, MedGen C0027672, MeSH D009386, MONDO:0015356.
Familial cancer of breast. Also called: Hereditary breast cancer; BREAST CANCER, FAMILIAL; hereditary breast carcinoma. Identifiers: Orphanet 227535, MedGen C0346153, MONDO:0016419, OMIM 114480. Disease mechanism: loss of function.
Ataxia-telangiectasia syndrome (AT). Also called: Cerebello-oculocutaneous telangiectasia; Immunodeficiency with ataxia telangiectasia; AT, COMPLEMENTATION GROUP C; LOUIS-BAR SYNDROME; Ataxia-telangiectasia, complementation group E; ATAXIA-TELANGIECTASIA, COMPLEMENTATION GROUP A. Identifiers: Orphanet 100, MedGen C0004135, MONDO:0008840, OMIM 208900.

Allele frequency attached by ClinVar (database versions not stated): gnomAD exomes below 0.00001 and 0.00001; TOPMed below 0.00001; gnomAD 0.00001.

Submissions 1 to 8 of 14:

ClinGen Hereditary Breast, Ovarian and Pancreatic Cancer Variant Curation Expert Panel, ClinGen
Classification: Pathogenic for ATM-related cancer predisposition. Last evaluated: 2022-03-16. Review status: reviewed by expert panel. Criteria: clingen hbop acmg specifications atm v1-1. Collection method: curation. Allele origin: germline. Inheritance: Autosomal dominant inheritance.
Comment: The ATM c.2T>C (p.M1?) variant impacts the initiation codon and is not expected to produce a fully functional protein (PVS1). This variant has been observed in a compound heterozygous state in multiple individuals with Ataxia-Telangiectasia (PMIDs: 22146522, 3054930, 12552559, PM3_VeryStrong). This alteration has an allele frequency below 0.001% in the European (non-Finnish) subpopulation in GnomAD (PM2_Supporting). In summary, this variant meets criteria to be classified as pathogenic. ACMG/AMP criteria applied, as specified by the HBOP Variant Curation Expert Panel.

PreventionGenetics, part of Exact Sciences
Classification: Pathogenic for ATM-related condition. Last evaluated: 2026-01-13. Review status: criteria provided, single submitter. Criteria: ACMG Guidelines, 2015. Collection method: clinical testing. Allele origin: germline. Not counted in ClinVar's aggregate classification.
Comment: The ATM c.2T>C variant is predicted to disrupt the translation initiation site (Start Loss). This variant has been reported in individuals with autosomal recessive ataxia telangiectasia (Gilad et al. 1996. PubMed ID: 8845835; Stankovic et al. 1998. PubMed ID: 9463314; Buzin et al. 2003. PubMed ID: 12552559; Carney et al. 2012. PubMed ID: 22649200; Schon et al. 2019. PubMed ID: 30549301; Reiman et al. 2011. PubMed ID: 21792198) and in a cohort of individuals with breast cancer (Table S5, Decker et al. 2017. PubMed ID: 28779002). Functional studies showed this variant negatively impacts protein function (Table S2, Reiman et al. 2011. PubMed ID: 21792198). This variant is reported in 0.00088% of alleles in individuals of European (Non-Finnish) descent in gnomAD and is interpreted as likely pathogenic/pathogenic in ClinVar (Variation ID: 187275). This variant is interpreted as pathogenic.

Labcorp Genetics (formerly Invitae), Labcorp
Classification: Pathogenic for Ataxia-telangiectasia syndrome. Last evaluated: 2025-11-24. Review status: criteria provided, single submitter. Criteria: Invitae Variant Classification Sherloc (09022015). Collection method: clinical testing. Allele origin: germline. Not counted in ClinVar's aggregate classification.
Comment: This sequence change affects the initiator codon of the ATM mRNA. This change may impact translation initiation or efficiency. The next in-frame methionine is located at codon 94. This variant is present in population databases (rs786203606, gnomAD 0.0009%). Disruption of the initiator codon has been observed in individual(s) with ataxia-telangiectasia (PMID: 8845835, 9463314, 12552559, 21792198, 22649200). In at least one individual the data is consistent with being in trans (on the opposite chromosome) from a pathogenic variant. ClinVar contains an entry for this variant (Variation ID: 187275). Algorithms developed to predict the effect of variants on gene product structure and function are not available or were not evaluated for this variant. Experimental studies have shown that disruption of the initiator codon affects ATM function (PMID: 21593342, 21792198, 22146522). For these reasons, this variant has been classified as Pathogenic.

Natera, Inc.
Classification: Pathogenic for Ataxia-telangiectasia. Last evaluated: 2025-11-18. Review status: criteria provided, single submitter. Criteria: Natera Variant Classification Schema (03/2026). Collection method: clinical testing. Allele origin: germline. Not counted in ClinVar's aggregate classification.
Comment: The c.2T>C variant in ATM is predicted to result in start loss due to disruption of the initiator methionine. This variant is expected to result in nonsense mediated decay, truncation, or a dysfunctional protein product. This variant is rare in the general population with a frequency below the threshold expected for the associated phenotype(s). This variant has been observed in one or more individuals affected with the associated recessive disease, as either homozygous or compound heterozygous with a second variant (PMID: 30549301). Given the available evidence, this variant is classified as Pathogenic.

Ambry Genetics
Classification: Pathogenic for Hereditary cancer-predisposing syndrome. Last evaluated: 2025-09-17. Review status: criteria provided, single submitter. Criteria: Ambry Variant Classification Scheme 2023. Collection method: clinical testing. Allele origin: germline. Not counted in ClinVar's aggregate classification.
Comment: The p.M1? pathogenic mutation (also known as c.2T>C) is located in coding exon 1 of the ATM gene and results from a T to C substitution at nucleotide position 2. This alters the methionine residue at the initiation codon (ATG).This variant has been identified in the homozygous state and/or in conjunction with other ATM variant(s) in individual(s) with features consistent with ataxia telangiectasia (Gilad S et al. Hum. Mol. Genet., 1996 Apr;5:433-9; Stankovic T et al. Am. J. Hum. Genet., 1998 Feb;62(2):334-45; Buzin CH et al. Hum. Mutat., 2003 Feb;21:123-31; Reiman A et al. Br. J. Cancer, 2011 Aug;105(4):586-91; Byrd PJ et al. Br. J. Cancer, 2012 Jan;106:262-8; Schon et al. Ann. Neurol., 2019 02;85(2):170-180; Byrd et al. Nature 2023 Jul;619(7971):828-836). This variant is considered to be rare based on population cohorts in the Genome Aggregation Database (gnomAD). Sequence variations that modify the initiation codon are expected to result in either loss of translation initiation, N-terminal truncation, or cause a shift in the mRNA reading frame. Based on the supporting evidence, this variant is interpreted as a disease-causing mutation.

GeneKor MSA
Classification: Pathogenic for Hereditary cancer-predisposing syndrome. Last evaluated: 2025-06-25. Review status: criteria provided, single submitter. Criteria: ACMG Guidelines, 2015. Collection method: clinical testing. Allele origin: germline. Affected: yes. Not counted in ClinVar's aggregate classification.
Comment: The ATM c.2T>C alteration impacts the initiation Methionine, while the next in-frame initiation codon is located after 94 aminoacid residues. This alteration has been described in patients with breast, ovarian and prostate cancer (PMID:28281021, 28779002, 30340782), as well as in patients with ataxia-telangiectasia (PMID:8845835, 12552559, 22649200, 9463314, 21792198). Clinvar contains entries for this variant (VCV000187275.31). Experimental studies have shown a damaging effect on the ATM protein (PMID:22146522, 21593342, 21792198) and as such, this alteration is considered to be pathogenic.

Color Diagnostics, LLC DBA Color Health
Classification: Pathogenic for Hereditary cancer-predisposing syndrome. Last evaluated: 2024-08-19. Review status: criteria provided, single submitter. Criteria: ACMG Guidelines, 2015. Collection method: clinical testing. Allele origin: germline. Not counted in ClinVar's aggregate classification.
Comment: This variant results in the loss of the translation start codon (methionine at codon 1) of the ATM gene. This variant is expected to disrupt the expression of the full-length ATM protein. The next in-frame methionine occurs at codon 94, but it has not been shown if a functional ATM protein product can be produced using p.Met94 as an alternative translation start site. This variant has been reported in over ten individuals affected with ataxia-telangiectasia in compound heterozygous state with pathogenic mutations (PMID: 8845835, 9463314, 12552559, 15928302, 21593342, 21792198, 22146522, 22649200, 30549301). In cell lines derived from these individuals, a very low level of expression of a truncated ATM protein was observed, probably due to the use of an alternate downstream methionine (PMID: 21593342, 21792198, 22146522). There was no detectable kinase activity in these cell lines. This variant has also been observed in individuals affected with breast cancer (PMID: 28779002, 29308099), ovarian cancer (PMID: 28281021) and brain cancer (PMID: 29753700). This variant has been identified in 1/251392 chromosomes in the general population by the Genome Aggregation Database (gnomAD). Based on the available evidence, this variant is classified as Pathogenic.

Myriad Genetics, Inc.
Classification: Pathogenic for Familial cancer of breast. Last evaluated: 2024-01-10. Review status: criteria provided, single submitter. Criteria: Myriad Autosomal Dominant, Autosomal Recessive and X-Linked Classification Criteria (2023). Collection method: clinical testing. Allele origin: unknown. Not counted in ClinVar's aggregate classification.
Comment: This variant is considered pathogenic. This variant is located within the gene translation start codon (p.Met1?) and is predicted to result in abnormal protein translation. This variant has been reported in multiple individuals with clinical features of gene-specific disease [PMID: 21665257, 9463314, 21792198, 12552559, 22649200, 22146522, 30549301].